The following is an entry in ClinVar:

NM_006939.4(SOS2):c.1682A>T (p.Asn561Ile)

Gene: SOS2 (SOS Ras/Rho guanine nucleotide exchange factor 2; minus strand). Cytogenetic location: 14q21.3.
Variant type: single nucleotide variant.
Coding change: c.1682A>T on transcript NM_006939.4 (MANE Select); coding-DNA position 1682, A replaced by T.
Protein change: p.Asn561Ile; replaces asparagine 561 with isoleucine.
Molecular consequence: missense variant.
Genome position (GRCh38, 1-based): chr14:50,159,601, T>A on the plus strand (A>T on the coding strand, the complement: SOS2 is on the minus strand). VCF-style: chr14-50159601-T-A. GRCh37 (hg19) VCF-style: chr14-50626319-T-A.
Other names: c.1583A>T, p.Asn528Ile (NM_001411020.1); short protein forms N528I, N561I.
Identifiers: ClinVar variation 2836566 (VCV002836566.3), dbSNP rs537761776, ClinGen allele CA389645213.

ClinVar aggregate classification (germline): Uncertain significance (1 of 4 stars; one submission).

Conditions:
Noonan syndrome 9 (NS9). Identifiers: Orphanet 648, MedGen C4225282, MONDO:0014691, OMIM 616559.

Submission:

Labcorp Genetics (formerly Invitae), Labcorp
Classification: Uncertain significance for Noonan syndrome 9. Last evaluated: 2023-02-13. Review status: criteria provided, single submitter. Criteria: Invitae Variant Classification Sherloc (09022015). Collection method: clinical testing. Allele origin: germline.
Comment: This sequence change replaces asparagine, which is neutral and polar, with isoleucine, which is neutral and non-polar, at codon 561 of the SOS2 protein (p.Asn561Ile). This variant is not present in population databases (gnomAD no frequency). This variant has not been reported in the literature in individuals affected with SOS2-related conditions. Advanced modeling of protein sequence and biophysical properties (such as structural, functional, and spatial information, amino acid conservation, physicochemical variation, residue mobility, and thermodynamic stability) performed at Invitae indicates that this missense variant is not expected to disrupt SOS2 protein function. In summary, the available evidence is currently insufficient to determine the role of this variant in disease. Therefore, it has been classified as a Variant of Uncertain Significance.